The following is an entry in ClinVar:

ClinVar aggregate classification (germline): Likely benign (1 of 4 stars; one submission).

Conditions:
Familial isolated arrhythmogenic right ventricular dysplasia. Identifiers: Orphanet 217656, MedGen C4274968, MONDO:0016342.

Submission:

All of Us Research Program, National Institutes of Health
Classification: Likely benign for Familial isolated arrhythmogenic right ventricular dysplasia. Last evaluated: 2023-08-15. Review status: criteria provided, single submitter. Criteria: ACMG Guidelines, 2015. Collection method: clinical testing. Allele origin: germline. Inheritance: Autosomal dominant inheritance. Observed: 2 variant alleles, 2 heterozygotes.
Comment: This study involves interpretation of variants in research participants for the purpose of population health screening. Participant phenotype was not available at the time of variant classification. Additional details can be found in publication PMID: 35346344, PMCID: PMC8962531

NM_024422.6(DSC2):c.1452A>T (p.Ala484=)

Gene: DSC2 (desmocollin 2; minus strand). Cytogenetic location: 18q12.1.
Variant type: single nucleotide variant.
Coding change: c.1452A>T on transcript NM_024422.6 (MANE Select); coding-DNA position 1452, A replaced by T.
Protein change: p.Ala484=; no amino-acid change (alanine 484 retained).
Molecular consequence: synonymous variant.
Genome position (GRCh38, 1-based): chr18:31,080,164, T>A on the plus strand (A>T on the coding strand, the complement: DSC2 is on the minus strand). VCF-style: chr18-31080164-T-A. GRCh37 (hg19) VCF-style: chr18-28660130-T-A.
Other names: c.1023A>T, p.Ala341= (NM_001406506.1, NM_001406507.1); c.1452A>T, p.Ala484= (NM_004949.5).
Identifiers: ClinVar variation 3072069 (VCV003072069.1), dbSNP rs1555638690, ClinGen allele CA503527431.